The following is an entry in ClinVar:

NM_001048174.2(MUTYH):c.168_171delinsG (p.Tyr56_His57delinsTer)

Gene: MUTYH (mutY DNA glycosylase; minus strand). Cytogenetic location: 1p34.1.
Variant type: Indel.
Coding change: c.168_171delinsG on transcript NM_001048174.2 (MANE Select); coding-DNA positions 168 to 171, CCAT replaced by G.
Protein change: p.Tyr56_His57delinsTer.
Molecular consequence: nonsense. On other transcripts: 5 prime UTR variant (1), non-coding transcript variant (5), intron variant (5).
Genome position (GRCh38, 1-based): chr1:45,333,506-45,333,509, ATGG replaced by C on the plus strand (CCAT replaced by G on the coding strand, the reverse complement: MUTYH is on the minus strand). VCF-style: chr1-45333506-ATGG-C. GRCh37 (hg19) VCF-style: chr1-45799178-ATGG-C.
Other names: c.168_171delinsG, p.Tyr56_His57delinsTer (NM_001048171.2, NM_001048173.2, NM_001293195.2 and 6 more transcripts); c.171_174delinsG, p.Tyr57_His58delinsTer (NM_001048172.2, NM_001407071.1, NM_001407078.1 and 2 more transcripts); c.252_255delinsG, p.Tyr84_His85delinsTer (NM_001128425.2); c.213_216delinsG, p.Tyr71_His72delinsTer (NM_001293190.2); c.201_204delinsG, p.Tyr67_His68delinsTer (NM_001293191.2, NM_001407077.1); c.-104_-101delinsG (NM_001350650.2); c.243_246delinsG, p.Tyr81_His82delinsTer (NM_001407069.1, NM_012222.3); c.210_213delinsG, p.Tyr70_His71delinsTer (NM_001407073.1, NM_001407083.1, NM_001407085.1); and 4 more.
Identifiers: ClinVar variation 3233035 (VCV003233035.1), dbSNP rs2524276243, ClinGen allele CA2825000973.
Genomic context (GRCh38, chr1:45,333,506, plus strand): 5'-GTCGTACCAGCTTAGCAGGCTCCCTCGGAAGGCTGTGACTTCAGCTACGTCTCTGAATAG[ATGG>C]TATGAGGAGACAGAGGCCTGCAATACCACCTCTTCCGGCTGCCTGGCCAGGCCTGCTGGG-3'

ClinVar aggregate classification (germline): Pathogenic (1 of 4 stars; one submission).

Conditions:
Hereditary cancer-predisposing syndrome. Also called: Neoplastic Syndromes, Hereditary; Tumor predisposition; Hereditary neoplastic syndrome; Hereditary Cancer Syndrome. Identifiers: Orphanet 140162, MedGen C0027672, MeSH D009386, MONDO:0015356.

Submission:

Ambry Genetics
Classification: Pathogenic for Hereditary cancer-predisposing syndrome. Last evaluated: 2023-10-13. Review status: criteria provided, single submitter. Criteria: Ambry Variant Classification Scheme 2023. Collection method: clinical testing. Allele origin: germline.
Comment: The c.252_255delCCATinsG pathogenic mutation, located in coding exon 3 of the MUTYH gene, results from an in-frame deletion of CCAT and insertion of G at nucleotide positions 252 to 255. This results in the insertion of an alternate stop codon (p.Y84_H85delins*). This variant is considered to be rare based on population cohorts in the Genome Aggregation Database (gnomAD). This alteration is expected to result in loss of function by premature protein truncation or nonsense-mediated mRNA decay. As such, this alteration is interpreted as a disease-causing mutation.